The following is an entry in ClinVar:

NM_033380.3(COL4A5):c.1289C>A (p.Ala430Asp)

Gene: COL4A5 (collagen type IV alpha 5 chain; plus strand). Cytogenetic location: Xq22.3.
Variant type: single nucleotide variant.
Coding change: c.1289C>A on transcript NM_033380.3 (MANE Select); coding-DNA position 1289, C replaced by A.
Protein change: p.Ala430Asp; replaces alanine 430 with aspartic acid.
Molecular consequence: missense variant.
Genome position (GRCh38, 1-based): chrX:108,591,181, C>A. VCF-style: chrX-108591181-C-A. GRCh37 (hg19) VCF-style: chrX-107834411-C-A.
Other names: c.1289C>A, p.Ala430Asp (NM_000495.5); short protein forms A430D.
Identifiers: ClinVar variation 256277 (VCV000256277.58), dbSNP rs142883891, ClinGen allele CA10488704.

ClinVar aggregate classification (germline): Benign/Likely benign. Review status: criteria provided, multiple submitters, no conflicts (2 of 4 stars). 14 submissions from 14 submitters: Benign (8); Likely benign (5). 1 of the submissions does not count toward it. Last evaluated 2026-08-01.

Conditions:
X-linked Alport syndrome (ATS1). Also called: COL4A5-Related Nephropathy; NEPHROPATHY AND DEAFNESS, X-LINKED. Identifiers: Orphanet 63, Orphanet 88917, MedGen C4746986, MONDO:0010520, OMIM 301050.

Allele frequency attached by ClinVar (database versions not stated): 1000 Genomes Project 30x 0.00187; 1000 Genomes Project 0.00238; TOPMed 0.00366; gnomAD 0.00418 and 0.00420; ESP Exome Variant Server 0.00454.
gnomAD v4.1: 6,247 of 1,208,648 alleles (0.52%); highest among the groups gnomAD compares: Non-Finnish European, 0.56%; 12 homozygotes.

Submissions (14):

CeGaT Center for Human Genetics Tuebingen
Classification: Benign. Last evaluated: 2026-08-01. Review status: criteria provided, single submitter. Criteria: CeGaT Center For Human Genetics Tuebingen Variant Classification Criteria Version 2. Collection method: clinical testing. Allele origin: germline. Affected: yes. Observed: 21 variant alleles.
Comment: COL4A5: BS1, BS2

Labcorp Genetics (formerly Invitae), Labcorp
Classification: Benign. Last evaluated: 2026-01-28. Review status: criteria provided, single submitter. Criteria: Invitae Variant Classification Sherloc (09022015). Collection method: clinical testing. Allele origin: germline.

ARUP Laboratories, Molecular Genetics and Genomics, ARUP Laboratories
Classification: Benign for X-linked Alport syndrome. Last evaluated: 2025-05-12. Review status: criteria provided, single submitter. Criteria: ARUP Molecular Germline Variant Investigation Process 2024. Collection method: clinical testing. Allele origin: germline.

Blueprint Genetics
Classification: Likely benign. Last evaluated: 2024-11-25. Review status: criteria provided, single submitter. Criteria: ACMG Guidelines, 2015. Collection method: clinical testing. Allele origin: germline.

Mayo Clinic Laboratories, Mayo Clinic
Classification: Benign. Last evaluated: 2022-11-30. Review status: criteria provided, single submitter. Criteria: ACMG Guidelines, 2015. Collection method: clinical testing. Allele origin: germline. Observed: 6 variant alleles.
Comment: BA1, BS2, BP4, BP5

Fulgent Genetics
Classification: Likely benign for X-linked Alport syndrome. Last evaluated: 2022-04-08. Review status: criteria provided, single submitter. Criteria: ACMG Guidelines, 2015. Collection method: clinical testing. Allele origin: unknown.

Women's Health and Genetics/Laboratory Corporation of America, LabCorp
Classification: Benign. Last evaluated: 2022-02-18. Review status: criteria provided, single submitter. Criteria: LabCorp Variant Classification Summary - May 2015. Collection method: clinical testing. Allele origin: germline.
Comment: Variant summary: COL4A5 c.1289C>A (p.Ala430Asp) results in a non-conservative amino acid change located in the Collagen triple helix repeat (IPR008160) of the encoded protein sequence. Four of five in-silico tools predict a benign effect of the variant on protein function. The variant allele was found at a frequency of 0.0047 in 182887 control chromosomes, including 342 hemizygotes and 1 homozygote in the general population (gnomAD). The variant was predominantly at a frequency of 0.0056 within the Non-Finnish European subpopulation in the gnomAD database, including 175 hemizygotes. The observed variant frequency within Non-Finnish European control individuals in the gnomAD database is approximately 1.21 fold of the estimated maximal expected allele frequency for a pathogenic variant in COL4A5 causing Alport Syndrome 1, X-Linked Recessive phenotype (0.0046), strongly suggesting that the variant is a benign polymorphism. Six ClinVar submitters have assessed the variant since 2014: five have classified the variant as benign and one as likely benign. Based on the evidence outlined above, the variant was classified as benign.

Athena Diagnostics
Classification: Benign. Last evaluated: 2019-07-09. Review status: criteria provided, single submitter. Criteria: Athena Diagnostics Criteria. Collection method: clinical testing. Allele origin: germline.

GeneDx
Classification: Benign. Last evaluated: 2019-01-31. Review status: criteria provided, single submitter. Criteria: GeneDx Variant Classification Process June 2021. Collection method: clinical testing. Allele origin: germline. Affected: yes.
Comment: This variant is associated with the following publications: (PMID: 31144478, 8940267)

Center for Pediatric Genomic Medicine, Children's Mercy Hospital and Clinics
Classification: Benign. Last evaluated: 2016-06-07. Review status: criteria provided, single submitter. Criteria: ACMG Guidelines, 2015. Collection method: clinical testing. Allele origin: germline.

Laboratory for Molecular Medicine, Mass General Brigham Personalized Medicine
Classification: Likely benign. Last evaluated: 2016-03-21. Review status: criteria provided, single submitter. Criteria: LMM Criteria. Collection method: clinical testing. Allele origin: germline. Observed: 1 variant allele.
Comment: p.Ala430Asp in exon 20 of COL4A5: This variant is not expected to have clinical significance because it has been identified in 1.17% (53/4522) of Finnish chromo somes by the Exome Aggregation Consortium (ExAC; dbSNP rs142883891).

Breakthrough Genomics
Classification: Likely benign. Review status: criteria provided, single submitter. Criteria: ACMG Guidelines, 2015. Collection method: not provided. Allele origin: germline. Inheritance: X-linked inheritance. Affected: yes.

PreventionGenetics, part of Exact Sciences
Classification: Likely benign. Review status: criteria provided, single submitter. Criteria: ACMG Guidelines, 2015. Collection method: clinical testing. Allele origin: germline.

Natera, Inc.
Classification: Benign for X-linked Alport syndrome. Last evaluated: 2019-12-03. Review status: no assertion criteria provided. Collection method: clinical testing. Allele origin: germline. Not counted in ClinVar's aggregate classification.

Literature cited by the submitters: PubMed 10094548 (cited by Mayo Clinic Laboratories, Mayo Clinic); PubMed 31144478 (cited by Mayo Clinic Laboratories, Mayo Clinic and Athena Diagnostics); PubMed 34426522 (cited by Mayo Clinic Laboratories, Mayo Clinic); PubMed 9195222 (cited by Mayo Clinic Laboratories, Mayo Clinic and Athena Diagnostics).